The following is an entry in ClinVar:

ClinVar aggregate classification (germline): Conflicting classifications of pathogenicity. Review status: criteria provided, conflicting classifications (1 of 4 stars). 3 submissions from 3 submitters: Uncertain significance (1); Likely benign (2). Last evaluated 2026-03-25.

Conditions:
Inborn genetic diseases. Identifiers: MedGen C0950123, MeSH D030342.

Submissions (3):

Women's Health and Genetics/Laboratory Corporation of America, LabCorp
Classification: Likely benign. Last evaluated: 2026-03-25. Review status: criteria provided, single submitter. Criteria: LabCorp Variant Classification Summary - May 2015. Collection method: clinical testing. Allele origin: germline.

Labcorp Genetics (formerly Invitae), Labcorp
Classification: Likely benign. Last evaluated: 2024-05-06. Review status: criteria provided, single submitter. Criteria: Invitae Variant Classification Sherloc (09022015). Collection method: clinical testing. Allele origin: germline.

Ambry Genetics
Classification: Uncertain significance for Inborn genetic diseases. Last evaluated: 2022-07-19. Review status: criteria provided, single submitter. Criteria: Ambry Variant Classification Scheme 2023. Collection method: clinical testing. Allele origin: germline.
Comment: The c.2155-6G>T intronic alteration consists of a G to T substitution 6 nucleotides before coding exon 15 in the LONP1 gene. Based on insufficient or conflicting evidence, the clinical significance of this alteration remains unclear.

NM_004793.4(LONP1):c.2155-6G>T

Gene: LONP1 (lon peptidase 1, mitochondrial; minus strand). Cytogenetic location: 19p13.3.
Variant type: single nucleotide variant.
Coding change: c.2155-6G>T on transcript NM_004793.4 (MANE Select); 6 bases into the intron before coding-DNA position 2155, G replaced by T.
Molecular consequence: intron variant.
Genome position (GRCh38, 1-based): chr19:5,694,558, C>A on the plus strand (G>T on the coding strand, the complement: LONP1 is on the minus strand). VCF-style: chr19-5694558-C-A. GRCh37 (hg19) VCF-style: chr19-5694569-C-A.
Other names: c.2155-6G>T (NM_004793.2); c.1567-6G>T (NM_001276480.1); c.1963-6G>T (NM_001276479.2).
Identifiers: ClinVar variation 1605111 (VCV001605111.10), dbSNP rs758993386, ClinGen allele CA883871124.